The following is an entry in ClinVar:

NM_182961.4(SYNE1):c.2768A>T (p.Glu923Val)

Gene: SYNE1 (spectrin repeat containing nuclear envelope protein 1; minus strand). Cytogenetic location: 6q25.2.
Variant type: single nucleotide variant.
Coding change: c.2768A>T on transcript NM_182961.4 (MANE Select); coding-DNA position 2768, A replaced by T.
Protein change: p.Glu923Val; replaces glutamic acid 923 with valine.
Molecular consequence: missense variant.
Genome position (GRCh38, 1-based): chr6:152,455,550, T>A on the plus strand (A>T on the coding strand, the complement: SYNE1 is on the minus strand). VCF-style: chr6-152455550-T-A. GRCh37 (hg19) VCF-style: chr6-152776685-T-A.
Other names: c.2789A>T (NM_033071.3); c.2789A>T, p.Glu930Val (NM_033071.5); short protein forms E930V, E923V.
Identifiers: ClinVar variation 1361576 (VCV001361576.9), dbSNP rs376880609, ClinGen allele CA4059030.

ClinVar aggregate classification (germline): Uncertain significance. Review status: criteria provided, multiple submitters, no conflicts (2 of 4 stars). 2 submissions from 2 submitters: Uncertain significance (2). Last evaluated 2023-05-22.

Conditions:
Autosomal recessive ataxia, Beauce type. Also called: SYNE1-Related Autosomal Recessive Cerebellar Ataxia; SYNE1 Deficiency; Spinocerebellar ataxia, autosomal recessive 8; ATAXIA, RECESSIVE, OF BEAUCE. Identifiers: Orphanet 88644, MedGen C1853116, MONDO:0012549, OMIM 610743.
Emery-Dreifuss muscular dystrophy 4, autosomal dominant (EDMD4). Also called: EMERY-DREIFUSS MUSCULAR DYSTROPHY 4 WITH VARIABLE FEATURES. Identifiers: Orphanet 261, MedGen C2751807, MONDO:0013071, OMIM 612998.

Allele frequency attached by ClinVar (database versions not stated): TOPMed below 0.00001; gnomAD 0.00001; gnomAD exomes 0.00002 and 0.00003; ExAC 0.00003; ESP Exome Variant Server 0.00008.
gnomAD v4.1: 27 of 1,614,088 alleles (0.0017%); highest among the groups gnomAD compares: Non-Finnish European, 0.0019%; no homozygotes.

Submissions (2):

Labcorp Genetics (formerly Invitae), Labcorp
Classification: Uncertain significance for Emery-Dreifuss muscular dystrophy 4, autosomal dominant; Autosomal recessive ataxia, Beauce type. Last evaluated: 2023-05-22. Review status: criteria provided, single submitter. Criteria: Invitae Variant Classification Sherloc (09022015). Collection method: clinical testing. Allele origin: germline.
Comment: This variant is present in population databases (rs376880609, gnomAD 0.006%). In summary, the available evidence is currently insufficient to determine the role of this variant in disease. Therefore, it has been classified as a Variant of Uncertain Significance. An algorithm developed to predict the effect of missense changes on protein structure and function (PolyPhen-2) suggests that this variant is likely to be disruptive. ClinVar contains an entry for this variant (Variation ID: 1361576). This variant has not been reported in the literature in individuals affected with SYNE1-related conditions. This sequence change replaces glutamic acid, which is acidic and polar, with valine, which is neutral and non-polar, at codon 930 of the SYNE1 protein (p.Glu930Val).

Revvity Omics, Revvity
Classification: Uncertain significance. Last evaluated: 2022-04-11. Review status: criteria provided, single submitter. Criteria: ACMG Guidelines, 2015. Collection method: clinical testing. Allele origin: germline.